The following is an entry in ClinVar:

NM_000090.4(COL3A1):c.2530C>A (p.Pro844Thr)

Gene: COL3A1 (collagen type III alpha 1 chain; plus strand). Cytogenetic location: 2q32.2.
Variant type: single nucleotide variant.
Coding change: c.2530C>A on transcript NM_000090.4 (MANE Select); coding-DNA position 2530, C replaced by A.
Protein change: p.Pro844Thr; replaces proline 844 with threonine.
Molecular consequence: missense variant.
Genome position (GRCh38, 1-based): chr2:189,003,039, C>A. VCF-style: chr2-189003039-C-A. GRCh37 (hg19) VCF-style: chr2-189867765-C-A.
Other names: short protein forms P844T.
Identifiers: ClinVar variation 3072824 (VCV003072824.1), dbSNP rs780490668, ClinGen allele CA349842867.
Genomic context (GRCh38, chr2:189,003,039, plus strand): 5'-AAAGGAGAAAGAGGGGCTCCGGGTGAGAAAGGTGAAGGAGGCCCTCCTGGAGTTGCAGGA[C>A]CCCCTGGAGGTTCTGGACCTGCTGTAAGTTCCTTCCTCTTTCTCTGTCTATCTATCTATC-3'
Protein context (NP_000081.2, residues 834-854): GEGGPPGVAG[Pro844Thr]PGGSGPAGPP

ClinVar aggregate classification (germline): Uncertain significance (1 of 4 stars; one submission).

Conditions:
Ehlers-Danlos syndrome, type 4 (EDSVASC). Also called: Ehlers-Danlos Syndrome Type IV; Ehlers-Danlos syndrome vascular type; Ehlers Danlos syndrome, ecchymotic type; Ehlers Danlos syndrome, arterial type; Ehlers Danlos syndrome, Sack-Barabas type. Identifiers: Orphanet 286, MedGen C0268338, MONDO:0017314, OMIM 130050.

Allele frequency attached by ClinVar (database versions not stated): gnomAD 0.00001.
gnomAD v4.1: 1 of 1,551,168 alleles (0.000064%); no homozygotes.

Submission:

All of Us Research Program, National Institutes of Health
Classification: Uncertain significance for Ehlers-Danlos syndrome, type 4. Last evaluated: 2023-08-15. Review status: criteria provided, single submitter. Criteria: ACMG Guidelines, 2015. Collection method: clinical testing. Allele origin: germline. Inheritance: Autosomal dominant inheritance. Observed: 1 variant allele, 1 heterozygote.
Comment: This study involves interpretation of variants in research participants for the purpose of population health screening. Participant phenotype was not available at the time of variant classification. Additional details can be found in publication PMID: 35346344, PMCID: PMC8962531